The following is an entry in ClinVar:

NM_005245.4(FAT1):c.4987G>A (p.Ala1663Thr)

Gene: FAT1 (FAT atypical cadherin 1; minus strand). Cytogenetic location: 4q35.2.
Variant type: single nucleotide variant.
Coding change: c.4987G>A on transcript NM_005245.4 (MANE Select); coding-DNA position 4987, G replaced by A.
Protein change: p.Ala1663Thr; replaces alanine 1663 with threonine.
Molecular consequence: missense variant.
Genome position (GRCh38, 1-based): chr4:186,621,599, C>T on the plus strand (G>A on the coding strand, the complement: FAT1 is on the minus strand). VCF-style: chr4-186621599-C-T. GRCh37 (hg19) VCF-style: chr4-187542753-C-T.
Other names: short protein forms A1663T.
Identifiers: ClinVar variation 3277769 (VCV003277769.2), dbSNP rs200613891.

ClinVar aggregate classification (germline): Uncertain significance. Review status: criteria provided, multiple submitters, no conflicts (2 of 4 stars). 2 submissions from 2 submitters: Uncertain significance (2). Last evaluated 2024-07-02.

Conditions:
Inborn genetic diseases. Identifiers: MedGen C0950123, MeSH D030342.

Submissions (2):

Clinical Genomics Laboratory, Washington University in St. Louis
Classification: Uncertain significance. Last evaluated: 2024-07-02. Review status: criteria provided, single submitter. Criteria: ACMG Guidelines, 2015. Collection method: clinical testing. Allele origin: germline.
Comment: A FAT1 c.4987G>A (p.Ala1663Thr) variant was identified. This variant, to our knowledge, has not been reported in the medical literature and is observed on 22/280,514 alleles in the general population (gnomAD v2.1.1), indicating it is not a common variant. Computational predictors are uncertain as to the impact of this variant on FAT1 function. Due to limited information and based on ACMG/AMP guidelines for variant interpretation (Richards S et al., PMID: 25741868), the clinical significance of this variant is uncertain at this time.

Ambry Genetics
Classification: Uncertain significance for Inborn genetic diseases. Last evaluated: 2024-06-17. Review status: criteria provided, single submitter. Criteria: Ambry Variant Classification Scheme 2023. Collection method: clinical testing. Allele origin: germline.